The following is an entry in ClinVar:

NM_001145678.3(KIAA0825):c.1833T>C (p.Ala611=)

Gene: KIAA0825 (KIAA0825; minus strand). Cytogenetic location: 5q15.
Variant type: single nucleotide variant.
Coding change: c.1833T>C on transcript NM_001145678.3 (MANE Select); coding-DNA position 1833, T replaced by C.
Protein change: p.Ala611=; no amino-acid change (alanine 611 retained).
Molecular consequence: synonymous variant. On other transcripts: non-coding transcript variant (1).
Genome position (GRCh38, 1-based): chr5:94,470,000, A>G on the plus strand (T>C on the coding strand, the complement: KIAA0825 is on the minus strand). VCF-style: chr5-94470000-A-G. GRCh37 (hg19) VCF-style: chr5-93805705-A-G.
Other names: c.1833T>C, p.Ala611= (NM_001385712.1, NM_001385713.1, NM_001388325.1).
Identifiers: ClinVar variation 3053138 (VCV003053138.2), dbSNP rs192280399, ClinGen allele CA3344122.
Genomic context (GRCh38, chr5:94,470,000, plus strand): 5'-ATAGTAAACTTAACTTCACACCTCATAAAAAGCTTTGTAGTCATCCCAGTGGTGGCTCTC[A>G]GCATCCTGTAAAATGCTTGTAGCACAAACTCTGACGCAGTAGTTCGTAACCTGAAACTGT-3'
Protein context (NP_001139150.1, residues 601-621): RVCATSILQD[Ala611=]ESHHWDDYKA

ClinVar aggregate classification (germline): Benign (0 of 4 stars; one submission).

Conditions:
KIAA0825-related disorder. Also called: KIAA0825-related condition.

Allele frequency attached by ClinVar (database versions not stated): gnomAD exomes 0.00033; ExAC 0.00114; ESP Exome Variant Server 0.00219; gnomAD 0.00316; TOPMed 0.00342; 1000 Genomes Project 0.00539; 1000 Genomes Project 30x 0.00562.
gnomAD v4.1: 963 of 1,551,780 alleles (0.062%); highest among the groups gnomAD compares: African/African-American, 1%; 3 homozygotes.

Submission:

PreventionGenetics, part of Exact Sciences
Classification: Benign for KIAA0825-related condition. Last evaluated: 2020-01-28. Review status: no assertion criteria provided. Collection method: clinical testing. Allele origin: germline.
Comment: This variant is classified as benign based on ACMG/AMP sequence variant interpretation guidelines (Richards et al. 2015 PMID: 25741868, with internal and published modifications).